The following is an entry in ClinVar:

NM_007294.4(BRCA1):c.396C>A (p.Asn132Lys)

Gene: BRCA1 (BRCA1 DNA repair associated; minus strand). Cytogenetic location: 17q21.31.
Variant type: single nucleotide variant.
Coding change: c.396C>A on transcript NM_007294.4 (MANE Select); coding-DNA position 396, C replaced by A.
Protein change: p.Asn132Lys; replaces asparagine 132 with lysine.
Molecular consequence: missense variant. On other transcripts: non-coding transcript variant (1).
Genome position (GRCh38, 1-based): chr17:43,104,167, G>T on the plus strand (C>A on the coding strand, the complement: BRCA1 is on the minus strand). VCF-style: chr17-43104167-G-T. GRCh37 (hg19) VCF-style: chr17-41256184-G-T.
Other names: p.N132K:AAC>AAA; 515C>A; c.186C>A, p.Asn62Lys (NM_001408478.1, NM_001408479.1, NM_001408480.1 and 58 more transcripts); c.396C>A, p.Asn132Lys (NM_001408494.1, NM_001408495.1, NM_007298.4 and 165 more transcripts); c.255C>A, p.Asn85Lys (NM_001408496.1, NM_001408497.1, NM_001408498.1 and 99 more transcripts); c.15C>A, p.Asn5Lys (NM_001408510.1, NM_001408512.1, NM_001407959.1 and 4 more transcripts); c.387C>A, p.Asn129Lys (NM_001407646.1, NM_001407647.1, NM_001408408.1); c.318C>A, p.Asn106Lys (NM_001407653.1, NM_001407654.1, NM_001407655.1 and 21 more transcripts); and 1 more; short protein forms N132K, N85K, N129K, N5K, N62K, N88K, N106K.
Identifiers: ClinVar variation 55064 (VCV000055064.36), dbSNP rs80357413, ClinGen allele CA002545.
Genomic context (GRCh38, chr17:43,104,167, plus strand): 5'-AACAAATGGTTTTACCAAGGAAGGATTTTCGGGTTCACTCTGTAGAAGTCTTTTGGCACG[G>T]TTTCTGTAGCCCATACTTTGGATGATAGAAACTTCATCTTTTAGATGTTCAGGAGAGTTA-3'
Protein context (NP_009225.1, residues 122-142): VSIIQSMGYR[Asn132Lys]RAKRLLQSEP

ClinVar aggregate classification (germline): Benign. Review status: reviewed by expert panel (3 of 4 stars). 21 submissions from 21 submitters: Benign (1). 20 of the submissions do not count toward it. Last evaluated 2015-08-10.

Conditions:
BRCA1-related disorder. Also called: BRCA1-related condition.
Hereditary cancer-predisposing syndrome. Also called: Hereditary Cancer Syndrome; Hereditary neoplastic syndrome; Neoplastic Syndromes, Hereditary; Tumor predisposition. Identifiers: Orphanet 140162, MedGen C0027672, MeSH D009386, MONDO:0015356.
Malignant tumor of breast. Also called: Cancer breast; Malignant breast neoplasm. Identifiers: MedGen C0006142, MONDO:0007254. Disease mechanism: loss of function.
Breast-ovarian cancer, familial, susceptibility to, 1 (BROVCA1). Also called: BRCA1 Hereditary Breast and Ovarian Cancer; OVARIAN CANCER, SUSCEPTIBILITY TO. Identifiers: Orphanet 145, MedGen C2676676, MONDO:0011450, OMIM 604370. Disease mechanism: loss of function.
Hereditary breast ovarian cancer syndrome. Also called: BRCA1- and BRCA2-Associated Hereditary Breast and Ovarian Cancer; Hereditary breast and ovarian cancer syndrome; Hereditary breast and ovarian cancer syndrome (HBOC); Breast and ovarian cancer; Hereditary breast and/or ovarian cancer syndrome; Hereditary breast and ovarian cancer. Identifiers: Orphanet 145, MedGen C0677776, MeSH D061325, MONDO:0003582. Disease mechanism: loss of function.

Allele frequency attached by ClinVar (database versions not stated): ExAC 0.00002; gnomAD exomes 0.00004; gnomAD 0.00003; TOPMed 0.00003.
gnomAD v4.1: 60 of 1,613,926 alleles (0.0037%); highest among the groups gnomAD compares: Non-Finnish European, 0.0049%; no homozygotes.

Submissions 1 to 16 of 21:

Evidence-based Network for the Interpretation of Germline Mutant Alleles (ENIGMA)
Classification: Benign for Breast-ovarian cancer, familial 1. Last evaluated: 2015-08-10. Review status: reviewed by expert panel. Criteria: ENIGMA BRCA1/2 Classification Criteria (2015). Collection method: curation. Allele origin: germline.
Comment: IARC class based on posterior probability from multifactorial likelihood analysis, thresholds for class as per Plon et al. 2008 (PMID: 18951446). Class 1 based on posterior probability = 0.000166

Labcorp Genetics (formerly Invitae), Labcorp
Classification: Benign for Hereditary breast ovarian cancer syndrome. Last evaluated: 2026-01-14. Review status: criteria provided, single submitter. Criteria: Invitae Variant Classification Sherloc (09022015). Collection method: clinical testing. Allele origin: germline. Not counted in ClinVar's aggregate classification.

PreventionGenetics, part of Exact Sciences
Classification: Likely benign for BRCA1-related condition. Last evaluated: 2024-11-11. Review status: criteria provided, single submitter. Criteria: ACMG Guidelines, 2015. Collection method: clinical testing. Allele origin: germline. Not counted in ClinVar's aggregate classification.
Comment: This variant is classified as likely benign based on ACMG/AMP sequence variant interpretation guidelines (Richards et al. 2015 PMID: 25741868, with internal and published modifications).

Quest Diagnostics Nichols Institute San Juan Capistrano
Classification: Likely benign. Last evaluated: 2019-06-16. Review status: criteria provided, single submitter. Criteria: Quest Diagnostics criteria. Collection method: clinical testing. Allele origin: germline. Not counted in ClinVar's aggregate classification.

Women's Health and Genetics/Laboratory Corporation of America, LabCorp
Classification: Benign. Last evaluated: 2017-05-08. Review status: criteria provided, single submitter. Criteria: LabCorp Variant Classification Summary - May 2015. Collection method: clinical testing. Allele origin: germline. Not counted in ClinVar's aggregate classification.
Comment: Variant summary: The BRCA1 c.396C>A (p.Asn132Lys) variant (alternatively also known as 515C>A) involves the alteration of a non-conserved nucleotide and is not located in a known functional domain, while 4/5 in silico tools predict a damaging outcome for this variant. However, multiple functional studies demonstrated that this variant does not affect BRCA1 function (Towler_2013, Caligo_2009, Bouwman_2013, Maresca_2015, Thouvenot_2016). This variant was found in 2/121408 control chromosomes from ExAC at a frequency of 0.0000165, which does not exceed the estimated maximal expected allele frequency of a pathogenic BRCA1 variant (0.0010005). This variant has been reported in several HBOC patients without clear evidence supporting causality. The variant of interest was found to co-occur with another pathogenic BRCA2 variant, c.4936_4939delGAAA (p.Glu1646fxX23 - classified as pathogenic by LCA) has been reported, supporting a benign outcome. Multifactorial probability based model integrating multiple forms of genetic evidence indicates that the variant is benign (Lindor_2012 and Easton_2007). In addition, multiple clinical diagnostic laboratories/reputable databases/publications classified this variant as benign/likely benign. Taken together, this variant is classified as benign.

Illumina Laboratory Services, Illumina
Classification: Likely benign for Breast-ovarian cancer, familial, susceptibility to, 1. Last evaluated: 2017-04-27. Review status: criteria provided, single submitter. Criteria: ICSL Variant Classification Criteria 13 December 2019. Collection method: clinical testing. Allele origin: germline. Not counted in ClinVar's aggregate classification.
Comment: This variant was observed as part of a predisposition screen in an ostensibly healthy population. A literature search was performed for the gene, cDNA change, and amino acid change (where applicable). Publications were found based on this search. The evidence from the literature, in combination with allele frequency data from public databases where available, was sufficient to determine this variant is unlikely to cause disease. Therefore, this variant is classified as likely benign.

Cancer Genetics and Genomics Laboratory, British Columbia Cancer Agency
Classification: Likely benign. Last evaluated: 2017-04-18. Review status: criteria provided, single submitter. Criteria: ACMG Guidelines, 2015. Collection method: clinical testing. Allele origin: germline. Study: The Canadian Open Genetics Repository (COGR). Not counted in ClinVar's aggregate classification.

Institute for Biomarker Research, Medical Diagnostic Laboratories, L.L.C.
Classification: Likely benign for Breast-ovarian cancer, familial 1. Last evaluated: 2017-02-14. Review status: criteria provided, single submitter. Criteria: ACMG Guidelines, 2015. Collection method: clinical testing. Allele origin: germline. Not counted in ClinVar's aggregate classification.

GeneDx
Classification: Likely benign. Last evaluated: 2016-06-29. Review status: criteria provided, single submitter. Criteria: GeneDx Variant Classification (06012015). Collection method: clinical testing. Allele origin: germline. Affected: yes. Not counted in ClinVar's aggregate classification.
Comment: This variant is considered likely benign or benign based on one or more of the following criteria: it is a conservative change, it occurs at a poorly conserved position in the protein, it is predicted to be benign by multiple in silico algorithms, and/or has population frequency not consistent with disease.

Color Diagnostics, LLC DBA Color Health
Classification: Likely benign for Hereditary cancer-predisposing syndrome. Last evaluated: 2016-06-06. Review status: criteria provided, single submitter. Criteria: ACMG Guidelines, 2015. Collection method: clinical testing. Allele origin: germline. Not counted in ClinVar's aggregate classification.

Laboratory for Molecular Medicine, Mass General Brigham Personalized Medicine
Classification: Uncertain significance. Last evaluated: 2016-03-29. Review status: criteria provided, single submitter. Criteria: LMM Criteria. Collection method: clinical testing. Allele origin: germline. Not counted in ClinVar's aggregate classification.
Comment: Variant identified in a genome or exome case(s) and assessed due to predicted null impact of the variant or pathogenic assertions in the literature or databases. Disclaimer: This variant has not undergone full assessment. The following are preliminary notes: ExAC: 2/66738 European chromosomes; ClinVar: 3 labs B/LB, 1 lab VUS; at least 3 papers describe as non pathogenic

Ambry Genetics
Classification: Benign for Hereditary cancer-predisposing syndrome. Last evaluated: 2014-11-18. Review status: criteria provided, single submitter. Criteria: Ambry Variant Classification Scheme 2023. Collection method: clinical testing. Allele origin: germline. Not counted in ClinVar's aggregate classification.

Genetic Services Laboratory, University of Chicago
Classification: Likely benign. Last evaluated: 2022-09-09. Review status: no assertion criteria provided. Collection method: clinical testing. Allele origin: germline. Affected: no. Not counted in ClinVar's aggregate classification.

BRCAlab, Lund University
Classification: Benign for Breast-ovarian cancer, familial, susceptibility to, 1. Last evaluated: 2020-03-02. Review status: no assertion criteria provided. Collection method: clinical testing. Allele origin: germline. Affected: yes. Not counted in ClinVar's aggregate classification.

Sharing Clinical Reports Project (SCRP)
Classification: Likely benign for Breast-ovarian cancer, familial 1. Last evaluated: 2009-11-13. Review status: no assertion criteria provided. Collection method: clinical testing. Allele origin: germline. Not counted in ClinVar's aggregate classification.

Breast Cancer Information Core (BIC) (BRCA1)
Classification: Uncertain significance for Breast-ovarian cancer, familial 1. Last evaluated: 2002-05-29. Review status: no assertion criteria provided. Collection method: clinical testing. Allele origin: germline. Affected: yes. Observed: 5 variant alleles. Not counted in ClinVar's aggregate classification.